The following is an entry in ClinVar:

ClinVar aggregate classification (germline): Uncertain significance (1 of 4 stars; one submission).

Submission:

Labcorp Genetics (formerly Invitae), Labcorp
Classification: Uncertain significance. Last evaluated: 2023-01-30. Review status: criteria provided, single submitter. Criteria: Invitae Variant Classification Sherloc (09022015). Collection method: clinical testing. Allele origin: germline.
Comment: This sequence change replaces isoleucine, which is neutral and non-polar, with threonine, which is neutral and polar, at codon 1196 of the BRD4 protein (p.Ile1196Thr). This variant is not present in population databases (gnomAD no frequency). This variant has not been reported in the literature in individuals affected with BRD4-related conditions. Advanced modeling of protein sequence and biophysical properties (such as structural, functional, and spatial information, amino acid conservation, physicochemical variation, residue mobility, and thermodynamic stability) performed at Invitae indicates that this missense variant is not expected to disrupt BRD4 protein function. In summary, the available evidence is currently insufficient to determine the role of this variant in disease. Therefore, it has been classified as a Variant of Uncertain Significance.

NM_001379291.1(BRD4):c.3587T>C (p.Ile1196Thr)

Gene: BRD4 (bromodomain containing 4; minus strand). Cytogenetic location: 19p13.12.
Variant type: single nucleotide variant.
Coding change: c.3587T>C on transcript NM_001379291.1 (MANE Select); coding-DNA position 3587, T replaced by C.
Protein change: p.Ile1196Thr; replaces isoleucine 1196 with threonine.
Molecular consequence: missense variant.
Genome position (GRCh38, 1-based): chr19:15,239,254, A>G on the plus strand (T>C on the coding strand, the complement: BRD4 is on the minus strand). VCF-style: chr19-15239254-A-G. GRCh37 (hg19) VCF-style: chr19-15350065-A-G.
Other names: c.3587T>C, p.Ile1196Thr (NM_058243.3); short protein forms I1196T.
Identifiers: ClinVar variation 2832915 (VCV002832915.3), dbSNP rs2512704242, ClinGen allele CA404498367.